The following is an entry in ClinVar:

NM_000179.3(MSH6):c.44C>T (p.Pro15Leu)

Gene: MSH6 (mutS homolog 6; plus strand). Cytogenetic location: 2p16.3.
Variant type: single nucleotide variant.
Coding change: c.44C>T on transcript NM_000179.3 (MANE Select); coding-DNA position 44, C replaced by T.
Protein change: p.Pro15Leu; replaces proline 15 with leucine.
Molecular consequence: missense variant. On other transcripts: 5 prime UTR variant (1).
Genome position (GRCh38, 1-based): chr2:47,783,277, C>T. VCF-style: chr2-47783277-C-T. GRCh37 (hg19) VCF-style: chr2-48010416-C-T.
Other names: c.44C>T, p.Pro15Leu (NM_001281492.2); c.-693C>T (NM_001281493.2); short protein forms P15L.
Identifiers: ClinVar variation 224584 (VCV000224584.14), dbSNP rs869312800, ClinGen allele CA357811.

ClinVar aggregate classification (germline): Uncertain significance. Review status: criteria provided, multiple submitters, no conflicts (2 of 4 stars). 4 submissions from 4 submitters: Uncertain significance (4). Last evaluated 2025-01-19.

Conditions:
Lynch syndrome. Identifiers: Orphanet 144, MedGen C4552100, MONDO:0005835. Disease mechanism: loss of function.
Hereditary nonpolyposis colorectal neoplasms. Identifiers: MedGen C0009405, MeSH D003123.
Hereditary cancer-predisposing syndrome. Also called: Tumor predisposition; Hereditary neoplastic syndrome; Neoplastic Syndromes, Hereditary; Hereditary Cancer Syndrome. Identifiers: Orphanet 140162, MedGen C0027672, MeSH D009386, MONDO:0015356.

Allele frequency attached by ClinVar (database versions not stated): gnomAD exomes below 0.00001; TOPMed below 0.00001; gnomAD 0.00001.
gnomAD v4.1: 4 of 1,612,072 alleles (0.00025%); highest among the groups gnomAD compares: African/African-American, 0.0013%; no homozygotes.

Submissions (4):

Labcorp Genetics (formerly Invitae), Labcorp
Classification: Uncertain significance for Hereditary nonpolyposis colorectal neoplasms. Last evaluated: 2025-01-19. Review status: criteria provided, single submitter. Criteria: Invitae Variant Classification Sherloc (09022015). Collection method: clinical testing. Allele origin: germline.
Comment: This sequence change replaces proline, which is neutral and non-polar, with leucine, which is neutral and non-polar, at codon 15 of the MSH6 protein (p.Pro15Leu). This variant is not present in population databases (gnomAD no frequency). This missense change has been observed in individual(s) with Lynch syndrome and lymphoma, thyroid cancer and breast cancer (PMID: 26845104, 28874130). ClinVar contains an entry for this variant (Variation ID: 224584). Invitae Evidence Modeling of protein sequence and biophysical properties (such as structural, functional, and spatial information, amino acid conservation, physicochemical variation, residue mobility, and thermodynamic stability) indicates that this missense variant is not expected to disrupt MSH6 protein function with a negative predictive value of 95%. In summary, the available evidence is currently insufficient to determine the role of this variant in disease. Therefore, it has been classified as a Variant of Uncertain Significance.

Ambry Genetics
Classification: Uncertain significance for Hereditary cancer-predisposing syndrome. Last evaluated: 2023-11-17. Review status: criteria provided, single submitter. Criteria: Ambry Variant Classification Scheme 2023. Collection method: clinical testing. Allele origin: germline.
Comment: The p.P15L variant (also known as c.44C>T), located in coding exon 1 of the MSH6 gene, results from a C to T substitution at nucleotide position 44. The proline at codon 15 is replaced by leucine, an amino acid with similar properties. This amino acid position is well conserved in available vertebrate species. In addition, the in silico prediction for this alteration is inconclusive. Since supporting evidence is limited at this time, the clinical significance of this alteration remains unclear.

All of Us Research Program, National Institutes of Health
Classification: Uncertain significance for Lynch syndrome. Last evaluated: 2023-10-27. Review status: criteria provided, single submitter. Criteria: ACMG Guidelines, 2015. Collection method: clinical testing. Allele origin: germline. Inheritance: Autosomal dominant inheritance. Observed: 2 variant alleles, 2 heterozygotes.
Comment: This missense variant replaces proline with leucine at codon 15 of the MSH6 protein. Computational prediction suggests that this variant may not impact protein structure and function (internally defined REVEL score threshold <= 0.5, PMID: 27666373). To our knowledge, functional studies have not been reported for this variant. This variant has been reported in individuals affected with Lynch syndrome, lymphoma, thyroid and Ductal carcinoma in situ (PMID: 26845104, 28874130). This variant has not been identified in the general population by the Genome Aggregation Database (gnomAD). The available evidence is insufficient to determine the role of this variant in disease conclusively. Therefore, this variant is classified as a Variant of Uncertain Significance.

This study involves interpretation of variants in research participants for the purpose of population health screening. Participant phenotype was not available at the time of variant classification. Additional details can be found in publication PMID: 35346344, PMCID: PMC8962531

University of Washington Department of Laboratory Medicine, University of Washington
Classification: Uncertain significance for Hereditary nonpolyposis colon cancer. Last evaluated: 2015-11-20. Review status: criteria provided, single submitter. Criteria: Shirts et al. (Genet Med 2016). Collection method: clinical testing. Allele origin: germline. Affected: yes. Observed: 1 variant allele.

Literature cited by the submitters: PubMed 26845104 (cited by Labcorp Genetics (formerly Invitae), Labcorp and All of Us Research Program, National Institutes of Health); PubMed 28874130 (cited by 3 submitters).